The following is an entry in ClinVar:

NM_007113.4(TCHH):c.2942G>C (p.Arg981Thr)

Gene: TCHH (trichohyalin; minus strand). Cytogenetic location: 1q21.3.
Variant type: single nucleotide variant.
Coding change: c.2942G>C on transcript NM_007113.4 (MANE Select); coding-DNA position 2942, G replaced by C.
Protein change: p.Arg981Thr; replaces arginine 981 with threonine.
Molecular consequence: missense variant.
Genome position (GRCh38, 1-based): chr1:152,110,275, C>G on the plus strand (G>C on the coding strand, the complement: TCHH is on the minus strand). VCF-style: chr1-152110275-C-G. GRCh37 (hg19) VCF-style: chr1-152082751-C-G.
Other names: short protein forms R981T.
Identifiers: ClinVar variation 4593515 (VCV004593515.1).
Genomic context (GRCh38, chr1:152,110,275, plus strand): 5'-TCTTCCTCCTGCTGCAACTCCTCTTCCTCGCGGTATTTTTTCTCCCGCTCCTGGCGCCTT[C>G]TCTTCTCCGGTTCCTCTCCCAGCAGCTGCTCTTCCTTCTGCTGCAGCTTCTTATCCTTCC-3'
Protein context (NP_009044.2, residues 971-991): EQLLGEEPEK[Arg981Thr]RRQEREKKYR

ClinVar aggregate classification (germline): Uncertain significance (1 of 4 stars; one submission).

Submission:

Ambry Genetics
Classification: Uncertain significance. Last evaluated: 2025-09-25. Review status: criteria provided, single submitter. Criteria: Ambry Variant Classification Scheme 2023. Collection method: clinical testing. Allele origin: germline.
Comment: The c.2942G>C (p.R981T) alteration is located in exon 2 (coding exon 2) of the TCHH gene. This alteration results from a G to C substitution at nucleotide position 2942, causing the arginine (R) at amino acid position 981 to be replaced by a threonine (T). Based on data from gnomAD, the C allele has an overall frequency of <0.001% (1/249348) total alleles studied. The highest observed frequency was 0.003% (1/34528) of Latino alleles. Based on insufficient or conflicting evidence, the clinical significance of this alteration remains unclear.